The following is an entry in ClinVar:

ClinVar aggregate classification (germline): Uncertain significance (1 of 4 stars; one submission).

Conditions:
Oligodontia-cancer predisposition syndrome. Also called: TOOTH AGENESIS-COLORECTAL CANCER SYNDROME. Identifiers: Orphanet 300576, MedGen C1837750, MONDO:0012075, OMIM 608615. Disease mechanism: loss of function.

Allele frequency attached by ClinVar (database versions not stated): gnomAD 0.00001.
gnomAD v4.1: 1 of 1,614,058 alleles (0.000062%); highest among the groups gnomAD compares: Admixed American, 0.0017%; no homozygotes.

Submission:

Labcorp Genetics (formerly Invitae), Labcorp
Classification: Uncertain significance for Oligodontia-cancer predisposition syndrome. Last evaluated: 2025-08-24. Review status: criteria provided, single submitter. Criteria: Invitae Variant Classification Sherloc (09022015). Collection method: clinical testing. Allele origin: germline.
Comment: This sequence change replaces glutamic acid, which is acidic and polar, with aspartic acid, which is acidic and polar, at codon 230 of the AXIN2 protein (p.Glu230Asp). This variant is not present in population databases (gnomAD no frequency). This variant has not been reported in the literature in individuals affected with AXIN2-related conditions. ClinVar contains an entry for this variant (Variation ID: 1716484). Invitae Evidence Modeling of protein sequence and biophysical properties (such as structural, functional, and spatial information, amino acid conservation, physicochemical variation, residue mobility, and thermodynamic stability) indicates that this missense variant is expected to disrupt AXIN2 protein function with a positive predictive value of 80%. In summary, the available evidence is currently insufficient to determine the role of this variant in disease. Therefore, it has been classified as a Variant of Uncertain Significance.

NM_004655.4(AXIN2):c.690A>T (p.Glu230Asp)

Gene: AXIN2 (axin 2; minus strand). Cytogenetic location: 17q24.1.
Variant type: single nucleotide variant.
Coding change: c.690A>T on transcript NM_004655.4 (MANE Select); coding-DNA position 690, A replaced by T.
Protein change: p.Glu230Asp; replaces glutamic acid 230 with aspartic acid.
Molecular consequence: missense variant.
Genome position (GRCh38, 1-based): chr17:65,557,931, T>A on the plus strand (A>T on the coding strand, the complement: AXIN2 is on the minus strand). VCF-style: chr17-65557931-T-A. GRCh37 (hg19) VCF-style: chr17-63554049-T-A.
Other names: c.690A>T, p.Glu230Asp (NM_001363813.1); short protein forms E230D.
Identifiers: ClinVar variation 1716484 (VCV001716484.5), dbSNP rs2044295061, ClinGen allele CA400680482.
Genomic context (GRCh38, chr17:65,557,931, plus strand): 5'-CAAGCCAACCACGGTTGGCGAAAGTTTGCACTTGAAGTCGGCACAAGTCCACTCCTCTTC[T>A]TCATTCAAGGTGGGGAGATAGCCACACACGACCTTTAGGCTCCCGAGTCCCCCATTACTC-3'
Protein context (NP_004646.3, residues 220-240): VVCGYLPTLN[Glu230Asp]EEEWTCADFK